The following is an entry in ClinVar:

NM_001323289.2(CDKL5):c.1686del (p.Arg563fs)

Gene: CDKL5 (cyclin dependent kinase like 5; plus strand). Cytogenetic location: Xp22.13.
Variant type: Deletion.
Coding change: c.1686del on transcript NM_001323289.2 (MANE Select); coding-DNA position 1686, one base deleted (C; older notation c.1686delC).
Protein change: p.Arg563fs; shifts the reading frame from arginine 563.
Molecular consequence: frameshift variant.
Genome position (GRCh38, 1-based): chrX:18,604,610, C deleted; the last of 2 consecutive C bases (chrX:18,604,609-18,604,610); deleting either gives the same sequence. VCF-style (leftmost placement, unchanged base first): chrX-18604608-AC-A. GRCh37 (hg19) VCF-style: chrX-18622728-AC-A.
Other names: c.1686del, p.Arg563fs (NM_001037343.2, NM_003159.3); short protein forms R563fs.
Identifiers: ClinVar variation 1422610 (VCV001422610.6), dbSNP rs2147161009, ClinGen allele CA2573158470.
Genomic context (GRCh38, chrX:18,604,608, plus strand): 5'-CTCAGCCCTTCTGGAAGAAATAACCGAAATGAGGGAACGCTGGACTCACGTCGAACCACA[AC>A]CAGACATTCTAAGACGATGGAGGAATTGAAGCTGCCGGAGCACATGGACAGTAGCCATTC-3'

ClinVar aggregate classification (germline): Pathogenic (1 of 4 stars; one submission).

Conditions:
Angelman syndrome-like. Identifiers: MedGen CN128785.
Developmental and epileptic encephalopathy, 2 (DEE2). Also called: INFANTILE SPASM SYNDROME, X-LINKED 2; CDKL5 deficiency disorder. Identifiers: Orphanet 1934, Orphanet 3451, Orphanet 505652, MedGen C4750718, MONDO:0010396, OMIM 300672.

Submission:

Labcorp Genetics (formerly Invitae), Labcorp
Classification: Pathogenic for Developmental and epileptic encephalopathy, 2; Angelman syndrome-like. Last evaluated: 2021-07-30. Review status: criteria provided, single submitter. Criteria: Invitae Variant Classification Sherloc (09022015). Collection method: clinical testing. Allele origin: germline.
Comment: This sequence change creates a premature translational stop signal (p.Arg563Aspfs*9) in the CDKL5 gene. It is expected to result in an absent or disrupted protein product. Loss-of-function variants in CDKL5 are known to be pathogenic (PMID: 22872100). This variant is not present in population databases (ExAC no frequency). This variant has not been reported in the literature in individuals affected with CDKL5-related conditions. For these reasons, this variant has been classified as Pathogenic.

Literature cited by the submitters: PubMed 22872100.